The following is an entry in ClinVar:

ClinVar aggregate classification (germline): Pathogenic (1 of 4 stars; one submission).

Conditions:
Hereditary breast ovarian cancer syndrome. Also called: Hereditary breast and ovarian cancer syndrome (HBOC); Hereditary breast and ovarian cancer syndrome; Breast and ovarian cancer; Hereditary breast and/or ovarian cancer syndrome; Hereditary breast and ovarian cancer; BRCA1- and BRCA2-Associated Hereditary Breast and Ovarian Cancer. Identifiers: Orphanet 145, MedGen C0677776, MeSH D061325, MONDO:0003582. Disease mechanism: loss of function.

Submission:

Labcorp Genetics (formerly Invitae), Labcorp
Classification: Pathogenic for Hereditary breast and ovarian cancer syndrome. Last evaluated: 2018-07-17. Review status: criteria provided, single submitter. Criteria: Invitae Variant Classification Sherloc (09022015). Collection method: clinical testing. Allele origin: germline.
Comment: This variant is an out-of-frame deletion of the genomic region encompassing exons 4-11 of the BRCA1 gene. This is expected to create a premature translational stop signal and result in an absent or disrupted protein product. Deletion of exons 4-11 has not been reported in the literature in individuals with BRCA1-related disease. Loss-of-function variants in BRCA1 are known to be pathogenic (PMID: 20104584). For these reasons, this variant has been classified as Pathogenic.

NC_000017.11:g.(?_43090938)_(43106539_?)del

Genes: BRCA1 (BRCA1 DNA repair associated; minus strand), LOC126862571 (BRD4-independent group 4 enhancer GRCh37_chr17:41243136-41244335; plus strand). Cytogenetic location: 17q21.31.
Variant type: Deletion.
Identifiers: ClinVar variation 462203 (VCV000462203.2).